The following is an entry in ClinVar:

NM_000334.4(SCN4A):c.1726A>C (p.Met576Leu)

Gene: SCN4A (sodium voltage-gated channel alpha subunit 4; minus strand). Cytogenetic location: 17q23.3.
Variant type: single nucleotide variant.
Coding change: c.1726A>C on transcript NM_000334.4 (MANE Select); coding-DNA position 1726, A replaced by C.
Protein change: p.Met576Leu; replaces methionine 576 with leucine.
Molecular consequence: missense variant.
Genome position (GRCh38, 1-based): chr17:63,961,312, T>G on the plus strand (A>C on the coding strand, the complement: SCN4A is on the minus strand). VCF-style: chr17-63961312-T-G. GRCh37 (hg19) VCF-style: chr17-62038672-T-G.
Other names: short protein forms M576L.
Identifiers: ClinVar variation 1497142 (VCV001497142.8), dbSNP rs949909845, ClinGen allele CA400633337.

ClinVar aggregate classification (germline): Uncertain significance (1 of 4 stars; one submission).

Conditions:
Hyperkalemic periodic paralysis. Also called: Familial hyperkalemic periodic paralysis; Gamstorp disease. Identifiers: Orphanet 682, MedGen C0238357, MONDO:0008224, OMIM 170500, HP:0007215.

Submission:

Labcorp Genetics (formerly Invitae), Labcorp
Classification: Uncertain significance for Hyperkalemic periodic paralysis. Last evaluated: 2020-11-06. Review status: criteria provided, single submitter. Criteria: Invitae Variant Classification Sherloc (09022015). Collection method: clinical testing. Allele origin: germline.
Comment: In summary, the available evidence is currently insufficient to determine the role of this variant in disease. Therefore, it has been classified as a Variant of Uncertain Significance. Algorithms developed to predict the effect of missense changes on protein structure and function are either unavailable or do not agree on the potential impact of this missense change (SIFT: "Deleterious"; PolyPhen-2: "Benign"; Align-GVGD: "Class C0"). This variant has not been reported in the literature in individuals with SCN4A-related conditions. This variant is not present in population databases (ExAC no frequency). This sequence change replaces methionine with leucine at codon 576 of the SCN4A protein (p.Met576Leu). The methionine residue is highly conserved and there is a small physicochemical difference between methionine and leucine.